The following is an entry in ClinVar:

ClinVar aggregate classification (germline): Uncertain significance (1 of 4 stars; one submission).

Conditions:
3-methylcrotonyl-CoA carboxylase 2 deficiency. Also called: METHYLCROTONYLGLYCINURIA, TYPE II; 3 alpha methylcrotonyl-CoA carboxylase 2 deficiency; 3 alpha methylcrotonylglycinuria 2; MCC 2 deficiency; Methylcrotonylglycinuria type 2. Identifiers: Orphanet 6, MedGen C1859499, MONDO:0008862, OMIM 210210.

Submission:

Labcorp Genetics (formerly Invitae), Labcorp
Classification: Uncertain significance for 3-methylcrotonyl-CoA carboxylase 2 deficiency. Last evaluated: 2021-04-10. Review status: criteria provided, single submitter. Criteria: Invitae Variant Classification Sherloc (09022015). Collection method: clinical testing. Allele origin: germline.
Comment: This sequence change falls in intron 7 of the MCCC2 gene. It does not directly change the encoded amino acid sequence of the MCCC2 protein. It affects a nucleotide within the consensus splice site of the intron. This variant is not present in population databases (ExAC no frequency). This variant has not been reported in the literature in individuals with MCCC2-related conditions. Nucleotide substitutions within the consensus splice site are a relatively common cause of aberrant splicing (PMID: 17576681, 9536098). Algorithms developed to predict the effect of sequence changes on RNA splicing suggest that this variant may disrupt the consensus splice site, but this prediction has not been confirmed by published transcriptional studies. In summary, the available evidence is currently insufficient to determine the role of this variant in disease. Therefore, it has been classified as a Variant of Uncertain Significance.

Literature cited by the submitters: PubMed 17576681; PubMed 9536098.

NM_022132.5(MCCC2):c.738+2dup

Gene: MCCC2 (methylcrotonyl-CoA carboxylase subunit 2; plus strand). Cytogenetic location: 5q13.2.
Variant type: Duplication.
Coding change: c.738+2dup on transcript NM_022132.5 (MANE Select); the canonical splice donor site of the intron after coding-DNA position 738, one base duplicated (T; older notation c.738+2dupT).
Molecular consequence: splice donor variant. On other transcripts: intron variant (1).
Genome position (GRCh38, 1-based): chr5:71,626,755, T duplicated. VCF-style (leftmost placement, unchanged base first): chr5-71626754-G-GT. GRCh37 (hg19) VCF-style: chr5-70922581-G-GT.
Other names: c.625-5366dup (NM_001363147.1).
Identifiers: ClinVar variation 1501516 (VCV001501516.6), dbSNP rs2112412775, ClinGen allele CA2573139756.